The following is an entry in ClinVar:

ClinVar aggregate classification (germline): Uncertain significance (1 of 4 stars; one submission).

Submission:

Labcorp Genetics (formerly Invitae), Labcorp
Classification: Uncertain significance. Last evaluated: 2021-11-10. Review status: criteria provided, single submitter. Criteria: Invitae Variant Classification Sherloc (09022015). Collection method: clinical testing. Allele origin: germline.
Comment: In summary, the available evidence is currently insufficient to determine the role of this variant in disease. Therefore, it has been classified as a Variant of Uncertain Significance. Experimental studies and prediction algorithms are not available or were not evaluated, and the functional significance of this variant is currently unknown. This variant has not been reported in the literature in individuals affected with ANKZF1-related conditions. This variant results in the deletion of part of exon 14 (c.2131_*969del) of the ANKZF1 gene. While this deletion is not anticipated to lead to nonsense mediated decay, it is expected to alter mRNA translation or result in a truncated protein product.

NC_000002.11:g.(?_220101115)_(220102134_?)del

Genes: ANKZF1 (ankyrin repeat and zinc finger peptidyl tRNA hydrolase 1; plus strand), GLB1L (galactosidase beta 1 like; minus strand). Cytogenetic location: 2q35.
Variant type: Deletion.
Identifiers: ClinVar variation 2426435 (VCV002426435.3).